The following is an entry in ClinVar:

ClinVar aggregate classification (germline): Uncertain significance (1 of 4 stars; one submission).

Allele frequency attached by ClinVar (database versions not stated): ExAC 0.00001; TOPMed 0.00001; gnomAD 0.00002; gnomAD exomes 0.00002.
gnomAD v4.1: 16 of 1,613,350 alleles (0.00099%); no homozygotes.

Submission:

Labcorp Genetics (formerly Invitae), Labcorp
Classification: Uncertain significance. Last evaluated: 2023-08-29. Review status: criteria provided, single submitter. Criteria: Invitae Variant Classification Sherloc (09022015). Collection method: clinical testing. Allele origin: germline.
Comment: In summary, the available evidence is currently insufficient to determine the role of this variant in disease. Therefore, it has been classified as a Variant of Uncertain Significance. An algorithm developed to predict the effect of missense changes on protein structure and function (PolyPhen-2) suggests that this variant is likely to be tolerated. This variant has not been reported in the literature in individuals affected with OSBPL2-related conditions. This variant is present in population databases (rs773909049, gnomAD 0.02%). This sequence change replaces proline, which is neutral and non-polar, with leucine, which is neutral and non-polar, at codon 124 of the OSBPL2 protein (p.Pro124Leu).

NM_144498.4(OSBPL2):c.371C>T (p.Pro124Leu)

Gene: OSBPL2 (oxysterol binding protein like 2; plus strand). Cytogenetic location: 20q13.33.
Variant type: single nucleotide variant.
Coding change: c.371C>T on transcript NM_144498.4 (MANE Select); coding-DNA position 371, C replaced by T.
Protein change: p.Pro124Leu; replaces proline 124 with leucine.
Molecular consequence: missense variant.
Genome position (GRCh38, 1-based): chr20:62,272,237, C>T. VCF-style: chr20-62272237-C-T. GRCh37 (hg19) VCF-style: chr20-60847293-C-T.
Other names: c.95C>T, p.Pro32Leu (NM_001278649.3, NM_001363878.2); c.335C>T, p.Pro112Leu (NM_014835.5); short protein forms P112L, P124L, P32L.
Identifiers: ClinVar variation 2800600 (VCV002800600.3), dbSNP rs773909049, ClinGen allele CA9938431.
Genomic context (GRCh38, chr20:62,272,237, plus strand): 5'-TGCAGCGGATCACGGAGTACATGGAGCACGTGTACCTCATCCACAGGGCCTCCTGCCAGC[C>T]CCAGCCCCTGGAGAGGATGCAGGTGGGCCTTAGGGGTGCCAGGCAGGAGTTTGTCATGAA-3'
Protein context (NP_653081.1, residues 114-134): VYLIHRASCQ[Pro124Leu]QPLERMQSVA